The following is an entry in ClinVar:

NM_020937.4(FANCM):c.2119C>G (p.Gln707Glu)

Gene: FANCM (FA complementation group M; plus strand). Cytogenetic location: 14q21.2.
Variant type: single nucleotide variant.
Coding change: c.2119C>G on transcript NM_020937.4 (MANE Select); coding-DNA position 2119, C replaced by G.
Protein change: p.Gln707Glu; replaces glutamine 707 with glutamic acid.
Molecular consequence: missense variant.
Genome position (GRCh38, 1-based): chr14:45,170,705, C>G. VCF-style: chr14-45170705-C-G. GRCh37 (hg19) VCF-style: chr14-45639908-C-G.
Other names: c.2041C>G, p.Gln681Glu (NM_001308133.2); short protein forms Q681E, Q707E.
Identifiers: ClinVar variation 4844526 (VCV004844526.1).

ClinVar aggregate classification (germline): Uncertain significance (1 of 4 stars; one submission).

Conditions:
Inborn genetic diseases. Identifiers: MedGen C0950123, MeSH D030342.

Submission:

Ambry Genetics
Classification: Uncertain significance for Inborn genetic diseases. Last evaluated: 2026-01-15. Review status: criteria provided, single submitter. Criteria: Ambry Variant Classification Scheme 2023. Collection method: clinical testing. Allele origin: germline.
Comment: The p.Q707E variant (also known as c.2119C>G), located in coding exon 12 of the FANCM gene, results from a C to G substitution at nucleotide position 2119. The glutamine at codon 707 is replaced by glutamic acid, an amino acid with highly similar properties. This amino acid position is conserved. In addition, this alteration is predicted to be tolerated by in silico analysis. Based on the available evidence, the clinical significance of this variant remains unclear.